The following is an entry in ClinVar:

ClinVar aggregate classification (germline): Likely pathogenic (1 of 4 stars; one submission).

Conditions:
Glycogen storage disease, type II (IOPD). Also called: Pompe Disease; CARDIOMEGALIA GLYCOGENICA DIFFUSA; GLYCOGENOSIS, GENERALIZED, CARDIAC FORM; GSD II; POMPE DISEASE, INFANTILE-ONSET; GLYCOGEN STORAGE DISEASE II, INFANTILE-ONSET. Identifiers: Orphanet 365, MedGen C0017921, MONDO:0009290, OMIM 232300.

Submission:

Genomenon, Inc
Classification: Likely pathogenic for Glycogen storage disease, type II. Last evaluated: 2026-07-01. Review status: criteria provided, single submitter. Criteria: Genomenon Sequence Variant Interpretation Standards - Updated. Collection method: curation. Allele origin: germline.
Comment: GAA p.Tyr575Cys (c.1724A>G) is a missense variant that changes the amino acid at codon 575 from Tyrosine to Cysteine. This variant has been reported in the compound heterozygous and/or homozygous state in an individual without a confirmed diagnosis of Pompe disease (PMID:31791368). At least one functional study has demonstrated a substantial alteration in protein function relative to the wild-type (PMID:22644586). The presence of pathogenic/likely pathogenic missense variant(s) at the same amino acid position indicates that this residue is likely important for protein function. It is absent or not present at a significant frequency in gnomAD. In silico models predict that this variant is possibly or probably damaging. In conclusion, we classify GAA p.Tyr575Cys (c.1724A>G) as a likely pathogenic variant.

Literature cited by the submitters: PubMed 31791368; PubMed 22644586.

NM_000152.5(GAA):c.1724A>G (p.Tyr575Cys)

Gene: GAA (alpha glucosidase; plus strand). Cytogenetic location: 17q25.3.
Variant type: single nucleotide variant.
Coding change: c.1724A>G on transcript NM_000152.5 (MANE Select); coding-DNA position 1724, A replaced by G.
Protein change: p.Tyr575Cys; replaces tyrosine 575 with cysteine.
Molecular consequence: missense variant.
Genome position (GRCh38, 1-based): chr17:80,112,070, A>G. VCF-style: chr17-80112070-A-G. GRCh37 (hg19) VCF-style: chr17-78085869-A-G.
Other names: c.1724A>G, p.Tyr575Cys (NM_001079803.3, NM_001079804.3, NM_001406741.1 and 1 more transcripts); short protein forms Y575C.
Identifiers: ClinVar variation 4876338 (VCV004876338.1).
Genomic context (GRCh38, chr17:80,112,070, plus strand): 5'-CCACCATCTGTGCCTCCAGCCACCAGTTTCTCTCCACACACTACAACCTGCACAACCTCT[A>G]CGGCCTGACCGAAGCCATCGCCTCCCACAGGTGAGGGCCACGTCCCGCCCCACTGGGCTC-3'
Protein context (NP_000143.2, residues 565-585): LSTHYNLHNL[Tyr575Cys]GLTEAIASHR